The following is an entry in ClinVar:

NM_000368.5(TSC1):c.2055A>G (p.Ser685=)

Gene: TSC1 (TSC complex subunit 1; minus strand). Cytogenetic location: 9q34.13.
Variant type: single nucleotide variant.
Coding change: c.2055A>G on transcript NM_000368.5 (MANE Select); coding-DNA position 2055, A replaced by G.
Protein change: p.Ser685=; no amino-acid change (serine 685 retained).
Molecular consequence: synonymous variant. On other transcripts: non-coding transcript variant (4), splice acceptor variant (4).
Genome position (GRCh38, 1-based): chr9:132,903,804, T>C on the plus strand (A>G on the coding strand, the complement: TSC1 is on the minus strand). VCF-style: chr9-132903804-T-C. GRCh37 (hg19) VCF-style: chr9-135779191-T-C.
Other names: c.2052A>G, p.Ser684= (NM_001162426.2, NM_001406597.1, NM_001406598.1 and 4 more transcripts); c.1902A>G, p.Ser634= (NM_001162427.2, NM_001406610.1); c.1692A>G, p.Ser564= (NM_001362177.2, NM_001406614.1, NM_001406615.1 and 5 more transcripts); c.2055A>G, p.Ser685= (NM_001406592.1, NM_001406593.1, NM_001406594.1 and 5 more transcripts); c.1899A>G, p.Ser633= (NM_001406611.1, NM_001406612.1, NM_001406613.1); c.1689A>G, p.Ser563= (NM_001406620.1, NM_001406621.1, NM_001406622.1 and 2 more transcripts); c.1104A>G, p.Ser368= (NM_001406626.1); c.1101A>G, p.Ser367= (NM_001406627.1, NM_001406628.1); and 3 more.
Identifiers: ClinVar variation 2891461 (VCV002891461.3), dbSNP rs2131774013, ClinGen allele CA467590761.
Genomic context (GRCh38, chr9:132,903,804, plus strand): 5'-CTCATAGAGTAACTGGTTGTGCAGTAAAAGCAACTGGTCTCGGAGGGTGCGGATCTCATC[T>C]GAAGGAGGAGAGCCTGATTGTAAAGCAGAGGGAGGGTGGCAGAAATGCCTTTTACAGATG-3'
Protein context (NP_000359.1, residues 675-695): DWTHFGGSPP[Ser685=]DEIRTLRDQL

ClinVar aggregate classification (germline): Uncertain significance (1 of 4 stars; one submission).

Conditions:
Tuberous sclerosis 1 (TSC1). Identifiers: Orphanet 805, MedGen C1854465, MONDO:0008612, OMIM 191100.

Submission:

Labcorp Genetics (formerly Invitae), Labcorp
Classification: Uncertain significance for Tuberous sclerosis 1. Last evaluated: 2023-08-11. Review status: criteria provided, single submitter. Criteria: Invitae Variant Classification Sherloc (09022015). Collection method: clinical testing. Allele origin: germline.
Comment: Algorithms developed to predict the effect of sequence changes on RNA splicing suggest that this variant may disrupt the consensus splice site. This variant has not been reported in the literature in individuals affected with TSC1-related conditions. This variant is not present in population databases (gnomAD no frequency). This sequence change affects codon 685 of the TSC1 mRNA. It is a 'silent' change, meaning that it does not change the encoded amino acid sequence of the TSC1 protein. In summary, the available evidence is currently insufficient to determine the role of this variant in disease. Therefore, it has been classified as a Variant of Uncertain Significance.